The following is an entry in ClinVar:

NM_000159.4(GCDH):c.1210G>A (p.Ala404Thr)

Gene: GCDH (glutaryl-CoA dehydrogenase; plus strand). Cytogenetic location: 19p13.13.
Variant type: single nucleotide variant.
Coding change: c.1210G>A on transcript NM_000159.4 (MANE Select); coding-DNA position 1210, G replaced by A.
Protein change: p.Ala404Thr; replaces alanine 404 with threonine.
Molecular consequence: missense variant. On other transcripts: non-coding transcript variant (2).
Genome position (GRCh38, 1-based): chr19:12,897,830, G>A. VCF-style: chr19-12897830-G-A. GRCh37 (hg19) VCF-style: chr19-13008644-G-A.
Other names: c.1210G>A, p.Ala404Thr (NM_013976.5); short protein forms A404T.
Identifiers: ClinVar variation 328333 (VCV000328333.11), dbSNP rs201509112, ClinGen allele CA9234634.
Genomic context (GRCh38, chr19:12,897,830, plus strand): 5'-CAGGCCCGAGACATGCTGGGGGGGAATGGGATTTCTGACGAGTATCACGTGATCCGGCAC[G>A]CCATGAACCTGGAGGCCGTGAACACCTACGAAGGTAGGAGCTGGACCTCAGAGGGCTCAC-3'
Protein context (NP_000150.1, residues 394-414): ISDEYHVIRH[Ala404Thr]MNLEAVNTYE

ClinVar aggregate classification (germline): Uncertain significance. Review status: criteria provided, multiple submitters, no conflicts (2 of 4 stars). 6 submissions from 5 submitters: Uncertain significance (4). 2 of the submissions do not count toward it. Last evaluated 2024-08-13.

Conditions:
Glutaric aciduria, type 1. Also called: GA I; Glutaryl-CoA dehydrogenase deficiency; Glutaric acidemia type I; Glutaricacidemia Type 1; Glutaricaciduria, type I; Glutaric Acidemia Type 1. Identifiers: Orphanet 25, MedGen C0268595, MONDO:0009281, OMIM 231670.

Allele frequency attached by ClinVar (database versions not stated): gnomAD 0.00005 and 0.00007; TOPMed 0.00007; gnomAD exomes 0.00008 and 0.00010; ExAC 0.00014; ESP Exome Variant Server 0.00023; 1000 Genomes Project 0.00100; 1000 Genomes Project 30x 0.00109.
gnomAD v4.1: 126 of 1,613,966 alleles (0.0078%); highest among the groups gnomAD compares: Middle Eastern, 0.033%; no homozygotes.

Submissions (6):

Labcorp Genetics (formerly Invitae), Labcorp
Classification: Uncertain significance for Glutaric aciduria, type 1. Last evaluated: 2024-08-13. Review status: criteria provided, single submitter. Criteria: Invitae Variant Classification Sherloc (09022015). Collection method: clinical testing. Allele origin: germline.
Comment: This sequence change replaces alanine, which is neutral and non-polar, with threonine, which is neutral and polar, at codon 404 of the GCDH protein (p.Ala404Thr). This variant is present in population databases (rs201509112, gnomAD 0.02%). This variant has not been reported in the literature in individuals affected with GCDH-related conditions. ClinVar contains an entry for this variant (Variation ID: 328333). Invitae Evidence Modeling of protein sequence and biophysical properties (such as structural, functional, and spatial information, amino acid conservation, physicochemical variation, residue mobility, and thermodynamic stability) indicates that this missense variant is not expected to disrupt GCDH protein function with a negative predictive value of 80%. This variant disrupts the p.Ala404 amino acid residue in GCDH. Other variant(s) that disrupt this residue have been determined to be pathogenic (Invitae). This suggests that this residue is clinically significant, and that variants that disrupt this residue are likely to be disease-causing. In summary, the available evidence is currently insufficient to determine the role of this variant in disease. Therefore, it has been classified as a Variant of Uncertain Significance.

Fulgent Genetics
Classification: Uncertain significance for Glutaric aciduria, type 1. Last evaluated: 2021-10-14. Review status: criteria provided, single submitter. Criteria: ACMG Guidelines, 2015. Collection method: clinical testing. Allele origin: unknown.

GeneDx
Classification: Uncertain significance. Last evaluated: 2020-10-01. Review status: criteria provided, single submitter. Criteria: GeneDx Variant Classification Process June 2021. Collection method: clinical testing. Allele origin: germline. Affected: yes.
Comment: Has not been previously published as pathogenic or benign to our knowledge; In silico analysis, which includes protein predictors and evolutionary conservation, supports that this variant does not alter protein structure/function

Illumina Laboratory Services, Illumina
Classification: Uncertain significance for Glutaric aciduria, type 1. Last evaluated: 2018-01-13. Review status: criteria provided, single submitter. Criteria: ICSL Variant Classification Criteria 13 December 2019. Collection method: clinical testing. Allele origin: germline.

Natera, Inc.
Classification: Uncertain significance for Glutaric acidemia type 1. Last evaluated: 2020-01-10. Review status: no assertion criteria provided. Collection method: clinical testing. Allele origin: germline. Not counted in ClinVar's aggregate classification.

GeneDx
Classification: Uncertain significance. Last evaluated: 2016-11-23. Review status: flagged submission. Criteria: GeneDx Variant Classification (06012015). Collection method: clinical testing. Allele origin: germline. Affected: yes. Not counted in ClinVar's aggregate classification.
Comment: The A404T missense variant in the GCDH gene has not been published as a pathogenic variant, nor has it been reported as a benign variant to our knowledge. The A404T variant was not observed with any significant frequency in approximately 6500 individuals of European and African American ancestry in the NHLBI Exome Sequencing Project. The 1000 Genomes Project Consortium reports A404T was observed in 3/206 alleles from individuals of Gujarati Indian background. The A404T variant is a non-conservative amino acid substitution, which is likely to impact secondary protein structure as these residues differ in polarity, charge, size and/or other properties. This substitution occurs at a position that is not conserved. In silico analysis is inconsistent in its predictions as to whether or not the variant is damaging to the protein structure/function. Missense variants in nearby residues (V400M, R402W, R402Q, M405V) have been reported in the Human Gene Mutation Database in association with glutaric aciduria type I (GA1) (Stenson et al., 2014). In summary, based on the currently available information, it is unclear whether this variant is a pathogenic variant or a rare benign variant.
ClinVar note: Reason: This record appears to be redundant with a more recent record from the same submitter.
ClinVar note: Notes: SCV000492199 appears to be redundant with SCV001774402.